The following is an entry in ClinVar:

NM_000447.3(PSEN2):c.872C>T (p.Ala291Val)

Gene: PSEN2 (presenilin 2; plus strand). Cytogenetic location: 1q42.13.
Variant type: single nucleotide variant.
Coding change: c.872C>T on transcript NM_000447.3 (MANE Select); coding-DNA position 872, C replaced by T.
Protein change: p.Ala291Val; replaces alanine 291 with valine.
Molecular consequence: missense variant.
Genome position (GRCh38, 1-based): chr1:226,890,119, C>T. VCF-style: chr1-226890119-C-T. GRCh37 (hg19) VCF-style: chr1-227077820-C-T.
Other names: c.872C>T, p.Ala291Val (NM_012486.3); short protein forms A291V.
Identifiers: ClinVar variation 3366709 (VCV003366709.4).
Genomic context (GRCh38, chr1:226,890,119, plus strand): 5'-AAGGGCCTCTGAGAATGCTGGTAGAAACTGCCCAGGAGAGAAATGAGCCCATATTCCCTG[C>T]CCTGATATACTCATGTGAGTGAGCCCCCCGTGCCTCTGCCTGACTCGGGGTCAGCAGGCA-3'
Protein context (NP_000438.2, residues 281-301): AQERNEPIFP[Ala291Val]LIYSSAMVWT

ClinVar aggregate classification (germline): Uncertain significance. Review status: criteria provided, multiple submitters, no conflicts (2 of 4 stars). 2 submissions from 2 submitters: Uncertain significance (2). Last evaluated 2026-01-26.

Conditions:
Alzheimer disease 4 (AD4). Identifiers: Orphanet 1020, MedGen C1847200, MONDO:0011743, OMIM 606889.

gnomAD v4.1: 6 of 1,612,920 alleles (0.00037%); highest among the groups gnomAD compares: African/African-American, 0.0013%; no homozygotes.

Submissions (2):

Women's Health and Genetics/Laboratory Corporation of America, LabCorp
Classification: Uncertain significance. Last evaluated: 2026-01-26. Review status: criteria provided, single submitter. Criteria: LabCorp Variant Classification Summary - May 2015. Collection method: clinical testing. Allele origin: germline.
Comment: Variant summary: PSEN2 c.872C>T (p.Ala291Val) results in a non-conservative amino acid change in the encoded protein sequence. Algorithms developed to predict the effect of missense changes on protein structure and function all suggest that this variant is likely to be disruptive. The variant allele was found at a frequency of 8e-06 in 251430 control chromosomes. The available data on variant occurrences in the general population are insufficient to allow any conclusion about variant significance. c.872C>T has been observed in individual(s) affected with clinical features of Alzheimer Disease 4 (example, Wang_2024). These report(s) do not provide unequivocal conclusions about association of the variant with Alzheimer Disease 4. To our knowledge, no experimental evidence demonstrating an impact on protein function has been reported. The following publication has been ascertained in the context of this evaluation (PMID: 37961373). ClinVar contains an entry for this variant (Variation ID: 3366709). Based on the evidence outlined above, the variant was classified as uncertain significance.

Labcorp Genetics (formerly Invitae), Labcorp
Classification: Uncertain significance for Alzheimer disease 4. Last evaluated: 2025-11-23. Review status: criteria provided, single submitter. Criteria: Invitae Variant Classification Sherloc (09022015). Collection method: clinical testing. Allele origin: germline.
Comment: This sequence change replaces alanine, which is neutral and non-polar, with valine, which is neutral and non-polar, at codon 291 of the PSEN2 protein (p.Ala291Val). This variant is present in population databases (rs374055800, gnomAD 0.002%). This variant has not been reported in the literature in individuals affected with PSEN2-related conditions. ClinVar contains an entry for this variant (Variation ID: 3366709). Invitae Evidence Modeling of protein sequence and biophysical properties (such as structural, functional, and spatial information, amino acid conservation, physicochemical variation, residue mobility, and thermodynamic stability) indicates that this missense variant is expected to disrupt PSEN2 protein function with a positive predictive value of 80%. In summary, the available evidence is currently insufficient to determine the role of this variant in disease. Therefore, it has been classified as a Variant of Uncertain Significance.

Literature cited by the submitters: PubMed 37961373 (cited by Women's Health and Genetics/Laboratory Corporation of America, LabCorp).